The following is an entry in ClinVar:

NM_004055.5(CAPN5):c.1363C>T (p.Arg455Cys)

Gene: CAPN5 (calpain 5; plus strand). Cytogenetic location: 11q13.5.
Variant type: single nucleotide variant.
Coding change: c.1363C>T on transcript NM_004055.5 (MANE Select); coding-DNA position 1363, C replaced by T.
Protein change: p.Arg455Cys; replaces arginine 455 with cysteine.
Molecular consequence: missense variant.
Genome position (GRCh38, 1-based): chr11:77,120,785, C>T. VCF-style: chr11-77120785-C-T. GRCh37 (hg19) VCF-style: chr11-76831831-C-T.
Other names: short protein forms R455C.
Identifiers: ClinVar variation 2170555 (VCV002170555.5), dbSNP rs370387285, ClinGen allele CA6196790.

ClinVar aggregate classification (germline): Uncertain significance. Review status: criteria provided, multiple submitters, no conflicts (2 of 4 stars). 2 submissions from 2 submitters: Uncertain significance (2). Last evaluated 2025-06-19.

Allele frequency attached by ClinVar (database versions not stated): ExAC 0.00002; ESP Exome Variant Server 0.00008.
gnomAD v4.1: 167 of 1,613,978 alleles (0.01%); highest among the groups gnomAD compares: Non-Finnish European, 0.012%; no homozygotes.

Submissions (2):

Labcorp Genetics (formerly Invitae), Labcorp
Classification: Uncertain significance. Last evaluated: 2025-06-19. Review status: criteria provided, single submitter. Criteria: Invitae Variant Classification Sherloc (09022015). Collection method: clinical testing. Allele origin: germline.
Comment: This sequence change replaces arginine, which is basic and polar, with cysteine, which is neutral and slightly polar, at codon 455 of the CAPN5 protein (p.Arg455Cys). This variant is present in population databases (rs370387285, gnomAD 0.006%). This variant has not been reported in the literature in individuals affected with CAPN5-related conditions. ClinVar contains an entry for this variant (Variation ID: 2170555). Invitae Evidence Modeling of protein sequence and biophysical properties (such as structural, functional, and spatial information, amino acid conservation, physicochemical variation, residue mobility, and thermodynamic stability) indicates that this missense variant is expected to disrupt CAPN5 protein function with a positive predictive value of 80%. In summary, the available evidence is currently insufficient to determine the role of this variant in disease. Therefore, it has been classified as a Variant of Uncertain Significance.

Blueprint Genetics
Classification: Uncertain significance. Last evaluated: 2024-02-27. Review status: criteria provided, single submitter. Criteria: ACMG Guidelines, 2015. Collection method: clinical testing. Allele origin: germline.